The following is an entry in ClinVar:

NM_000051.4(ATM):c.954G>A (p.Leu318=)

Gene: ATM (ATM serine/threonine kinase; plus strand). Cytogenetic location: 11q22.3.
Variant type: single nucleotide variant.
Coding change: c.954G>A on transcript NM_000051.4 (MANE Select); coding-DNA position 954, G replaced by A.
Protein change: p.Leu318=; no amino-acid change (leucine 318 retained).
Molecular consequence: synonymous variant.
Genome position (GRCh38, 1-based): chr11:108,247,016, G>A. VCF-style: chr11-108247016-G-A. GRCh37 (hg19) VCF-style: chr11-108117743-G-A.
Other names: c.954G>A, p.Leu318= (NM_001351834.2).
Identifiers: ClinVar variation 823328 (VCV000823328.5), dbSNP rs1591510739, ClinGen allele CA476671519.

ClinVar aggregate classification (germline): Benign/Likely benign. Review status: criteria provided, multiple submitters, no conflicts (2 of 4 stars). 2 submissions from 2 submitters: Benign (1); Likely benign (1). Last evaluated 2024-04-24.

Conditions:
Hereditary cancer-predisposing syndrome. Also called: Tumor predisposition; Hereditary Cancer Syndrome; Neoplastic Syndromes, Hereditary; Hereditary neoplastic syndrome. Identifiers: Orphanet 140162, MedGen C0027672, MeSH D009386, MONDO:0015356.
Familial cancer of breast. Also called: BREAST CANCER, FAMILIAL; Hereditary breast cancer; hereditary breast carcinoma. Identifiers: Orphanet 227535, MedGen C0346153, MONDO:0016419, OMIM 114480. Disease mechanism: loss of function.

Submissions (2):

Myriad Genetics, Inc.
Classification: Benign for Familial cancer of breast. Last evaluated: 2024-04-24. Review status: criteria provided, single submitter. Criteria: Myriad Autosomal Dominant, Autosomal Recessive and X-Linked Classification Criteria (2023). Collection method: clinical testing. Allele origin: unknown.
Comment: This variant is considered benign. This variant is a silent/synonymous amino acid change and it is not expected to impact splicing.

Ambry Genetics
Classification: Likely benign for Hereditary cancer-predisposing syndrome. Last evaluated: 2019-01-30. Review status: criteria provided, single submitter. Criteria: Ambry Variant Classification Scheme 2023. Collection method: clinical testing. Allele origin: germline.